The following is an entry in ClinVar:

ClinVar aggregate classification (germline): Uncertain significance (1 of 4 stars; one submission).

Conditions:
Dyskeratosis congenita, autosomal recessive 6 (DKCB6). Identifiers: MedGen C4225356, MONDO:0014600, OMIM 616353.
Pulmonary fibrosis and/or bone marrow failure, Telomere-related, 4. Also called: PULMONARY FIBROSIS AND/OR BONE MARROW FAILURE SYNDROME, TELOMERE-RELATED, 4. Identifiers: Orphanet 2032, MedGen C4225347, MONDO:0014612, OMIM 616371.

Submission:

Labcorp Genetics (formerly Invitae), Labcorp
Classification: Uncertain significance for Dyskeratosis congenita, autosomal recessive 6; Pulmonary fibrosis and/or bone marrow failure, Telomere-related, 4. Last evaluated: 2024-11-09. Review status: criteria provided, single submitter. Criteria: Invitae Variant Classification Sherloc (09022015). Collection method: clinical testing. Allele origin: germline.
Comment: This sequence change affects codon 440 of the PARN mRNA. It is a 'silent' change, meaning that it does not change the encoded amino acid sequence of the PARN protein. It affects a nucleotide within the consensus splice site. This variant is not present in population databases (gnomAD no frequency). This variant has not been reported in the literature in individuals affected with PARN-related conditions. Algorithms developed to predict the effect of sequence changes on RNA splicing suggest that this variant is not likely to affect RNA splicing. In summary, the available evidence is currently insufficient to determine the role of this variant in disease. Therefore, it has been classified as a Variant of Uncertain Significance.

NM_002582.4(PARN):c.1318T>C (p.Leu440=)

Gene: PARN (poly(A)-specific ribonuclease; minus strand). Cytogenetic location: 16p13.12.
Variant type: single nucleotide variant.
Coding change: c.1318T>C on transcript NM_002582.4 (MANE Select); coding-DNA position 1318, T replaced by C.
Protein change: p.Leu440=; no amino-acid change (leucine 440 retained).
Molecular consequence: synonymous variant.
Genome position (GRCh38, 1-based): chr16:14,555,654, A>G on the plus strand (T>C on the coding strand, the complement: PARN is on the minus strand). VCF-style: chr16-14555654-A-G. GRCh37 (hg19) VCF-style: chr16-14649511-A-G.
Other names: c.1135T>C, p.Leu379= (NM_001134477.3); c.1180T>C, p.Leu394= (NM_001242992.2).
Identifiers: ClinVar variation 3762642 (VCV003762642.2).